The following continues an entry in ClinVar:

NM_007294.4(BRCA1):c.2315T>C (p.Val772Ala)

Gene: BRCA1. ClinVar aggregate classification (germline): Benign. Benign (1).

Submissions 20 to 32 of 32:

Ambry Genetics
Classification: Benign for Hereditary cancer-predisposing syndrome. Last evaluated: 2014-11-18. Review status: criteria provided, single submitter. Criteria: Ambry Variant Classification Scheme 2023. Collection method: clinical testing. Allele origin: germline. Not counted in ClinVar's aggregate classification.

GeneDx
Classification: Benign. Last evaluated: 2014-01-22. Review status: criteria provided, single submitter. Criteria: GeneDx Variant Classification (06012015). Collection method: clinical testing. Allele origin: germline. Affected: yes. Not counted in ClinVar's aggregate classification.
Comment: This variant is considered likely benign or benign based on one or more of the following criteria: it is a conservative change, it occurs at a poorly conserved position in the protein, it is predicted to be benign by multiple in silico algorithms, and/or has population frequency not consistent with disease.

PreventionGenetics, part of Exact Sciences
Classification: Likely benign for BRCA1-related condition. Last evaluated: 2022-12-15. Review status: no assertion criteria provided. Collection method: clinical testing. Allele origin: germline. Not counted in ClinVar's aggregate classification.
Comment: This variant is classified as likely benign based on ACMG/AMP sequence variant interpretation guidelines (Richards et al. 2015 PMID: 25741868, with internal and published modifications).

Institute for Biomarker Research, Medical Diagnostic Laboratories, L.L.C.
Classification: Uncertain significance for Hereditary breast ovarian cancer syndrome. Last evaluated: 2021-09-27. Review status: no assertion criteria provided. Collection method: clinical testing. Allele origin: germline. Not counted in ClinVar's aggregate classification.

Mayo Clinic Laboratories, Mayo Clinic
Classification: Likely benign. Last evaluated: 2017-05-17. Review status: no assertion criteria provided. Collection method: clinical testing. Allele origin: unknown. Not counted in ClinVar's aggregate classification.

CSER _CC_NCGL, University of Washington
Classification: Uncertain significance for Breast cancer. Last evaluated: 2014-06-01. Review status: no assertion criteria provided. Collection method: research. Allele origin: germline. Inheritance: Autosomal dominant inheritance. Study: ESP 6500 variant annotation. Not counted in ClinVar's aggregate classification.
Comment: Variants classified for the Actionable exomic incidental findings in 6503 participants: challenges of variant classification manuscript

Counsyl
Classification: Likely benign for Breast-ovarian cancer, familial 1. Last evaluated: 2014-02-06. Review status: no assertion criteria provided. Collection method: literature only. Allele origin: unknown. Inheritance: Autosomal dominant inheritance. Not counted in ClinVar's aggregate classification.

Biesecker Lab/Clinical Genomics Section, National Institutes of Health
Classification: Uncertain significance. Last evaluated: 2012-07-13. Review status: no assertion criteria provided. Collection method: research. Allele origin: germline. Affected: no. Observed: 1 variant allele. Study: ClinSeq. Not counted in ClinVar's aggregate classification.
ClinVar note: Converted during submission from variant of unknown significance to Uncertain significance.

Breast Cancer Information Core (BIC) (BRCA1)
Classification: Uncertain significance for Breast-ovarian cancer, familial 1. Last evaluated: 2002-05-29. Review status: no assertion criteria provided. Collection method: clinical testing. Allele origin: germline. Affected: yes. Observed: 60 variant alleles. Not counted in ClinVar's aggregate classification.

Clinical Genetics Laboratory, Department of Pathology, Netherlands Cancer Institute
Classification: Benign. Review status: no assertion criteria provided. Collection method: clinical testing. Allele origin: germline. Affected: yes. Study: VKGL Data-share Consensus. Not counted in ClinVar's aggregate classification.

Department of Pathology and Laboratory Medicine, Sinai Health System
Classification: Benign for Malignant tumor of breast. Review status: no assertion criteria provided. Collection method: clinical testing. Allele origin: unknown. Affected: yes. Study: The Canadian Open Genetics Repository (COGR). Not counted in ClinVar's aggregate classification.
Comment: The BRCA1 p.Val772Ala variant was identified in at least 22 of 112026 proband chromosomes from individuals with breast or ovarian cancer, or who were undergoing BRCA1 screening (Castilla 1994, Haffty 2009, Judkins 2005); however, control chromosomes were not included in these studies, thus the frequency of the variant in the general population could not be determined. The variant was also identified in dbSNP (ID: rs80357467) â€šÃ„ÃºWith allele of Uncertain significanceâ€šÃ„Ã¹, HGMD, LOVD, UMD (8X as a neutral variant), and the BIC database (60X with unknown clinical importance). The variant was identified in two of 8600 European American alleles in the NHLBI Exome Sequencing Project (Exome Variant Server), although the limited number of observations and low frequency is not substantive enough to determine the prevalence of the variant in the general population. This residue is conserved in mammals; however, computational analyses (PolyPhen-2, SIFT, AlignGVGD, MutationTaster) provide inconsistent predictions regarding the impact to the protein and this information is not very predictive of pathogenicity. The p.Val772Ala has been identified in the literature occurring in trans with known deleterious mutations in BRCA1, increasing the likelihood that it does not have clinical significance (Castilla 1994, Judkins 2005, Spearman 2008, Tavtigian 2006). In addition, four in silico studies have classified this variant as not pathogenic or neutral (Burk-Herrick 2005, Lee 2008, Lindor 2012, Spearman 2008, while another study left the variant as â€šÃ„Ãºunclassifiedâ€šÃ„Ã¹ (Tavtigian 2006). In summary, based on the above information, this variant meets our laboratory's criteria to be classified as benign.

Diagnostic Laboratory, Department of Genetics, University Medical Center Groningen
Classification: Benign for Breast-ovarian cancer, familial, susceptibility to, 1. Review status: no assertion criteria provided. Collection method: clinical testing. Allele origin: germline. Affected: yes. Study: VKGL Data-share Consensus. Not counted in ClinVar's aggregate classification.

Joint Genome Diagnostic Labs from Nijmegen and Maastricht, Radboudumc and MUMC+
Classification: Benign. Review status: no assertion criteria provided. Collection method: clinical testing. Allele origin: germline. Affected: yes. Study: VKGL Data-share Consensus. Not counted in ClinVar's aggregate classification.

Literature cited by the submitters: PubMed 21990134 (cited by 3 submitters); PubMed 25782689 (cited by Illumina Laboratory Services, Illumina); PubMed 24448499 (cited by Illumina Laboratory Services, Illumina); PubMed 25637381 (cited by Illumina Laboratory Services, Illumina); PubMed 24055113 (cited by Illumina Laboratory Services, Illumina); PubMed 18824701 (cited by Illumina Laboratory Services, Illumina and Counsyl); PubMed 16014699 (cited by Illumina Laboratory Services, Illumina and Counsyl).